The following is an entry in ClinVar:

ClinVar aggregate classification (germline): Uncertain significance (1 of 4 stars; one submission).

Submission:

Ambry Genetics
Classification: Uncertain significance. Last evaluated: 2026-08-24. Review status: criteria provided, single submitter. Criteria: Ambry Variant Classification Scheme 2023. Collection method: clinical testing. Allele origin: germline.
Comment: The c.248-14_260del27 variant results from a deletion of 27 nucleotides (ACTATTTTTTACAGGTGATCATAAGGT) between positions c.248-14 and c.260 and involves the canonical splice acceptor site before coding exon 2 of the ATRIP gene. This nucleotide region is well conserved in available vertebrate species. In silico splice site analysis predicts that this alteration will weaken the native splice acceptor site. The evidence for this gene-disease relationship is limited; therefore, the clinical significance of this variant is unclear.

NM_130384.3(ATRIP):c.248-14_260del

Genes: ATRIP (ATR interacting protein; plus strand), ATRIP-TREX1 (ATRIP-TREX1 readthrough; plus strand). Cytogenetic location: 3p21.31.
Variant type: Deletion.
Coding change: c.248-14_260del on transcript NM_130384.3 (MANE Select); 14 bases into the intron before coding-DNA position 248 through coding-DNA position 260, 27 bases deleted (ACTATTTTTTACAGGTGATCATAAGGT).
Molecular consequence: splice acceptor variant.
Genome position (GRCh38, 1-based): chr3:48,450,023-48,450,049, ACTATTTTTTACAGGTGATCATAAGGT deleted. VCF-style (leftmost placement, unchanged base first): chr3-48450022-AACTATTTTTTACAGGTGATCATAAGGT-A. GRCh37 (hg19) VCF-style: chr3-48491428-AACTATTTTTTACAGGTGATCATAAGGT-A.
Other names: c.248-14_260del (NM_032166.4); c.-217-14_-205del (NM_001271022.2); c.-32-14_-20del (NM_001271023.2).
Identifiers: ClinVar variation 5032468 (VCV005032468.1).
Genomic context (GRCh38, chr3:48,450,022, plus strand): 5'-GGGTATTTTCAGCATTTTCTGGCAAAAGTGGGAAAATATTGGGTCCTGAAATGTATATGG[AACTATTTTTTACAGGTGATCATAAGGT>A]CCACAGATTATTAGATGGCATGTCAAAAAATCCTTCAGGGAAAAACAGAGAAACTGTTCC-3'